The following is an entry in ClinVar:

ClinVar aggregate classification (germline): Uncertain significance. Review status: criteria provided, multiple submitters, no conflicts (2 of 4 stars). 3 submissions from 3 submitters: Uncertain significance (2). 1 of the submissions does not count toward it. Last evaluated 2023-07-24.

Conditions:
Cystic fibrosis (CF). Also called: MUCOVISCIDOSIS. Identifiers: Orphanet 586, MedGen C0010674, MONDO:0009061, OMIM 219700. Disease mechanism: loss of function.
CFTR-related disorder (CFTR-RD). Also called: CFTR-related disorders; CFTR-related condition. Identifiers: MedGen C5924204, MONDO:7770004.

Allele frequency attached by ClinVar (database versions not stated): TOPMed 0.00001.
gnomAD v4.1: 1 of 1,611,558 alleles (0.000062%); highest among the groups gnomAD compares: Non-Finnish European, 0.000085%; no homozygotes.

Submissions (3):

Women's Health and Genetics/Laboratory Corporation of America, LabCorp
Classification: Uncertain significance. Last evaluated: 2023-07-24. Review status: criteria provided, single submitter. Criteria: LabCorp Variant Classification Summary - May 2015. Collection method: clinical testing. Allele origin: germline.
Comment: Variant summary: CFTR c.3161A>T (p.His1054Leu) results in a non-conservative amino acid change located in the ABC transporter type 1, transmembrane domain (IPR011527) of the encoded protein sequence. Five of five in-silico tools predict a damaging effect of the variant on protein function. The variant was absent in 250518 control chromosomes (gnomAD). The available data on variant occurrences in the general population are insufficient to allow any conclusion about variant significance. To our knowledge, no occurrence of c.3161A>T in individuals affected with Cystic Fibrosis or other CFTR-related disorders and no experimental evidence demonstrating its impact on protein function have been reported. A different missense variant affecting the same amino acid (c.3160C>G, p.H1054D) has been classified as pathogenic, suggesting His1054 may be important for CFTR function. Two submitters have cited clinical-significance assessments for this variant to ClinVar after 2014 and both classified the variant as uncertain significance. Based on the evidence outlined above, the variant was classified as uncertain significance.

Labcorp Genetics (formerly Invitae), Labcorp
Classification: Uncertain significance for Cystic fibrosis. Last evaluated: 2021-09-01. Review status: criteria provided, single submitter. Criteria: Invitae Variant Classification Sherloc (09022015). Collection method: clinical testing. Allele origin: germline.
Comment: This sequence change replaces histidine with leucine at codon 1054 of the CFTR protein (p.His1054Leu). The histidine residue is highly conserved and there is a moderate physicochemical difference between histidine and leucine. This variant is not present in population databases (ExAC no frequency). This variant has not been reported in the literature in individuals affected with CFTR-related conditions. ClinVar contains an entry for this variant (Variation ID: 526017). Algorithms developed to predict the effect of missense changes on protein structure and function are either unavailable or do not agree on the potential impact of this missense change (SIFT: "Deleterious"; PolyPhen-2: "Benign"; Align-GVGD: "Class C15"). This variant disrupts the p.His1054 amino acid residue in CFTR. Other variant(s) that disrupt this residue have been determined to be pathogenic (PMID: 7505690, 15463882; Invitae). This suggests that this residue is clinically significant, and that variants that disrupt this residue are likely to be disease-causing. In summary, the available evidence is currently insufficient to determine the role of this variant in disease. Therefore, it has been classified as a Variant of Uncertain Significance.

Natera, Inc.
Classification: Uncertain significance for CFTR-related disorders. Last evaluated: 2020-09-23. Review status: no assertion criteria provided. Collection method: clinical testing. Allele origin: germline. Not counted in ClinVar's aggregate classification.

Literature cited by the submitters: PubMed 7505690 (cited by Labcorp Genetics (formerly Invitae), Labcorp); PubMed 15463882 (cited by Labcorp Genetics (formerly Invitae), Labcorp).

NM_000492.4(CFTR):c.3161A>T (p.His1054Leu)

Genes: CFTR (CF transmembrane conductance regulator; plus strand), CFTR-AS2 (CFTR antisense RNA 2; minus strand), LOC111674472 (DNase I hypersensitive sites in introns 16 and 17a of CFTR; plus strand). Cytogenetic location: 7q31.2.
Variant type: single nucleotide variant.
Coding change: c.3161A>T on transcript NM_000492.4 (MANE Select); coding-DNA position 3161, A replaced by T.
Protein change: p.His1054Leu; replaces histidine 1054 with leucine.
Molecular consequence: missense variant.
Genome position (GRCh38, 1-based): chr7:117,611,602, A>T. VCF-style: chr7-117611602-A-T. GRCh37 (hg19) VCF-style: chr7-117251656-A-T.
Other names: short protein forms H1054L.
Identifiers: ClinVar variation 526017 (VCV000526017.7), dbSNP rs1417435640, ClinGen allele CA368991868.